The following is an entry in ClinVar:

NM_000057.4(BLM):c.4202C>T (p.Pro1401Leu)

Gene: BLM (BLM RecQ like helicase; plus strand). Cytogenetic location: 15q26.1.
Variant type: single nucleotide variant.
Coding change: c.4202C>T on transcript NM_000057.4 (MANE Select); coding-DNA position 4202, C replaced by T.
Protein change: p.Pro1401Leu; replaces proline 1401 with leucine.
Molecular consequence: missense variant.
Genome position (GRCh38, 1-based): chr15:90,815,227, C>T. VCF-style: chr15-90815227-C-T. GRCh37 (hg19) VCF-style: chr15-91358457-C-T.
Other names: c.4202C>T, p.Pro1401Leu (NM_001287246.2); c.3809C>T, p.Pro1270Leu (NM_001287247.2); c.3077C>T, p.Pro1026Leu (NM_001287248.2); short protein forms P1026L, P1270L, P1401L.
Identifiers: ClinVar variation 3224754 (VCV003224754.1), dbSNP rs2151202396, ClinGen allele CA393852657.

ClinVar aggregate classification (germline): Uncertain significance (1 of 4 stars; one submission).

Conditions:
Hereditary cancer-predisposing syndrome. Also called: Tumor predisposition; Hereditary neoplastic syndrome; Hereditary Cancer Syndrome; Neoplastic Syndromes, Hereditary. Identifiers: Orphanet 140162, MedGen C0027672, MeSH D009386, MONDO:0015356.

Submission:

Ambry Genetics
Classification: Uncertain significance for Hereditary cancer-predisposing syndrome. Last evaluated: 2024-02-26. Review status: criteria provided, single submitter. Criteria: Ambry Variant Classification Scheme 2023. Collection method: clinical testing. Allele origin: germline.
Comment: The p.P1401L variant (also known as c.4202C>T), located in coding exon 21 of the BLM gene, results from a C to T substitution at nucleotide position 4202. The proline at codon 1401 is replaced by leucine, an amino acid with similar properties. This amino acid position is conserved. In addition, this alteration is predicted to be tolerated by in silico analysis. Based on the available evidence, the clinical significance of this alteration remains unclear.